The following is an entry in ClinVar:

NM_001330360.2(POLA1):c.709G>A (p.Asp237Asn)

Gene: POLA1 (DNA polymerase alpha 1, catalytic subunit; plus strand). Cytogenetic location: Xp22.11.
Variant type: single nucleotide variant.
Coding change: c.709G>A on transcript NM_001330360.2 (MANE Select); coding-DNA position 709, G replaced by A.
Protein change: p.Asp237Asn; replaces aspartic acid 237 with asparagine.
Molecular consequence: missense variant. On other transcripts: non-coding transcript variant (2).
Genome position (GRCh38, 1-based): chrX:24,717,292, G>A. VCF-style: chrX-24717292-G-A. GRCh37 (hg19) VCF-style: chrX-24735409-G-A.
Other names: c.709G>A, p.Asp237Asn (NM_001378303.1, NM_001440806.1); c.691G>A, p.Asp231Asn (NM_016937.4); short protein forms D237N, D231N.
Identifiers: ClinVar variation 4772210 (VCV004772210.1).
Genomic context (GRCh38, chrX:24,717,292, plus strand): 5'-TGTGTGCCTTTGTGTCATCGCAATAACACATGACAAGAATGTGTGATGATGCCTACAGGC[G>A]ATGATGTACAGGTCGAGAGTACAGAAGAAGAGCAGGAGTCAGGGGCAATGGAGTTTGAAG-3'
Protein context (NP_001317289.1, residues 227-247): VPLKRAEFAG[Asp237Asn]DVQVESTEEE

ClinVar aggregate classification (germline): Uncertain significance (1 of 4 stars; one submission).

gnomAD v4.1: 2 of 1,206,926 alleles (0.00017%); highest among the groups gnomAD compares: Non-Finnish European, 0.00022%; no homozygotes.

Submission:

Labcorp Genetics (formerly Invitae), Labcorp
Classification: Uncertain significance. Last evaluated: 2026-01-02. Review status: criteria provided, single submitter. Criteria: Invitae Variant Classification Sherloc (09022015). Collection method: clinical testing. Allele origin: germline.
Comment: This sequence change replaces aspartic acid, which is acidic and polar, with asparagine, which is neutral and polar, at codon 231 of the POLA1 protein (p.Asp231Asn). This variant is not present in population databases (gnomAD no frequency). This variant has not been reported in the literature in individuals affected with POLA1-related conditions. An algorithm developed to predict the effect of missense changes on protein structure and function (PolyPhen-2) suggests that this variant is likely to be tolerated. In summary, the available evidence is currently insufficient to determine the role of this variant in disease. Therefore, it has been classified as a Variant of Uncertain Significance.